The following is an entry in ClinVar:

ClinVar aggregate classification (germline): Pathogenic. Review status: criteria provided, multiple submitters, no conflicts (2 of 4 stars). 2 submissions from 2 submitters: Pathogenic (2). Last evaluated 2021-02-04.

Conditions:
Early-infantile DEE. Also called: Early infantile epileptic encephalopathy; Early infantile epileptic encephalopathy with suppression bursts; Ohtahara syndrome. Identifiers: Orphanet 1934, MedGen C0393706, MONDO:0800491.

Submissions (2):

GeneDx
Classification: Pathogenic. Last evaluated: 2021-02-04. Review status: criteria provided, single submitter. Criteria: GeneDx Variant Classification Process June 2021. Collection method: clinical testing. Allele origin: germline. Affected: yes.
Comment: Frameshift variant predicted to result in protein truncation or nonsense mediated decay in a gene for which loss-of-function is a known mechanism of disease; Not observed in large population cohorts (Lek et al., 2016); Has not been previously published as pathogenic or benign to our knowledge

Labcorp Genetics (formerly Invitae), Labcorp
Classification: Pathogenic for Early-infantile DEE. Last evaluated: 2021-01-14. Review status: criteria provided, single submitter. Criteria: Invitae Variant Classification Sherloc (09022015). Collection method: clinical testing. Allele origin: germline.
Comment: This variant has not been reported in the literature in individuals with KCNQ2-related disease. Loss-of-function variants in KCNQ2 are known to be pathogenic (PMID: 14534157). For these reasons, this variant has been classified as Pathogenic. This sequence change creates a premature translational stop signal (p.Ala147Profs*24) in the KCNQ2 gene. It is expected to result in an absent or disrupted protein product. This variant is not present in population databases (ExAC no frequency).

Literature cited by the submitters: PubMed 14534157 (cited by Labcorp Genetics (formerly Invitae), Labcorp).

NM_172107.4(KCNQ2):c.439del (p.Ala147fs)

Gene: KCNQ2 (potassium voltage-gated channel subfamily Q member 2; minus strand). Cytogenetic location: 20q13.33.
Variant type: Deletion.
Coding change: c.439del on transcript NM_172107.4 (MANE Select); coding-DNA position 439, one base deleted (G; older notation c.439delG).
Protein change: p.Ala147fs; shifts the reading frame from alanine 147.
Molecular consequence: frameshift variant.
Genome position (GRCh38, 1-based): chr20:63,445,313, C deleted on the plus strand (G on the coding strand, the reverse complement: KCNQ2 is on the minus strand); the first of 3 consecutive C bases (chr20:63,445,313-63,445,315); deleting any one gives the same sequence. VCF-style (leftmost placement, unchanged base first): chr20-63445312-GC-G. GRCh37 (hg19) VCF-style: chr20-62076665-GC-G.
Other names: c.439del, p.Ala147fs (NM_004518.6, NM_172106.3, NM_172108.5 and 1 more transcripts); c.439del (NM_172107.2); short protein forms A147fs.
Identifiers: ClinVar variation 530406 (VCV000530406.11), dbSNP rs1555873981, ClinGen allele CA658799391.